The following is an entry in ClinVar:

ClinVar aggregate classification (germline): Uncertain significance (1 of 4 stars; one submission).

Conditions:
Epidermolysis bullosa simplex 5B, with muscular dystrophy (EBS5B). Also called: EPIDERMOLYSIS BULLOSA SIMPLEX AND LIMB-GIRDLE MUSCULAR DYSTROPHY; Epidermolysis bullosa simplex with muscular dystrophy. Identifiers: Orphanet 257, MedGen C2931072, MONDO:0009181, OMIM 226670.
Epidermolysis bullosa simplex, Ogna type (EBS5A). Also called: Pidermolysis bullosa simplex 5A, Ogna type; EPIDERMOLYSIS BULLOSA SIMPLEX 5A, OGNA TYPE. Identifiers: Orphanet 79401, MedGen C0432317, MONDO:0007555, OMIM 131950.
Epidermolysis bullosa simplex 5C, with pyloric atresia (EBS5C). Also called: Epidermolysis bullosa simplex with pyloric atresia; PLEC-Related Epidermolysis Bullosa with Pyloric Atresia; PLEC1-Related Epidermolysis Bullosa with Pyloric Atresia. Identifiers: Orphanet 158684, MedGen C2677349, MONDO:0012807, OMIM 612138.
Epidermolysis bullosa simplex with nail dystrophy (EBS5D). Identifiers: MedGen C4225309, MONDO:0014661, OMIM 616487.
Autosomal recessive limb-girdle muscular dystrophy type 2Q (LGMDR17). Also called: MUSCULAR DYSTROPHY, LIMB-GIRDLE, AUTOSOMAL RECESSIVE 17. Identifiers: Orphanet 254361, MedGen C3150989, MONDO:0013390, OMIM 613723.

Allele frequency attached by ClinVar (database versions not stated): gnomAD exomes below 0.00001; TOPMed below 0.00001; gnomAD 0.00001.
gnomAD v4.1: 2 of 1,597,648 alleles (0.00013%); highest among the groups gnomAD compares: Non-Finnish European, 0.00017%; no homozygotes.

Submission:

Labcorp Genetics (formerly Invitae), Labcorp
Classification: Uncertain significance for Autosomal recessive limb-girdle muscular dystrophy type 2Q; Epidermolysis bullosa simplex, Ogna type; Epidermolysis bullosa simplex with nail dystrophy; Epidermolysis bullosa simplex 5C, with pyloric atresia; Epidermolysis bullosa simplex 5B, with muscular dystrophy. Last evaluated: 2022-10-17. Review status: criteria provided, single submitter. Criteria: Invitae Variant Classification Sherloc (09022015). Collection method: clinical testing. Allele origin: germline.
Comment: ClinVar contains an entry for this variant (Variation ID: 934456). In summary, the available evidence is currently insufficient to determine the role of this variant in disease. Therefore, it has been classified as a Variant of Uncertain Significance. Advanced modeling of protein sequence and biophysical properties (such as structural, functional, and spatial information, amino acid conservation, physicochemical variation, residue mobility, and thermodynamic stability) performed at Invitae indicates that this missense variant is not expected to disrupt PLEC protein function. This variant has not been reported in the literature in individuals affected with PLEC-related conditions. This variant is not present in population databases (gnomAD no frequency). This sequence change replaces alanine, which is neutral and non-polar, with valine, which is neutral and non-polar, at codon 3933 of the PLEC protein (p.Ala3933Val).

NM_201384.3(PLEC):c.11717C>T (p.Ala3906Val)

Gene: PLEC (plectin; minus strand). Cytogenetic location: 8q24.3.
Variant type: single nucleotide variant.
Coding change: c.11717C>T on transcript NM_201384.3 (MANE Select); coding-DNA position 11717, C replaced by T.
Protein change: p.Ala3906Val; replaces alanine 3906 with valine.
Molecular consequence: missense variant.
Genome position (GRCh38, 1-based): chr8:143,918,104, G>A on the plus strand (C>T on the coding strand, the complement: PLEC is on the minus strand). VCF-style: chr8-143918104-G-A. GRCh37 (hg19) VCF-style: chr8-144992272-G-A.
Other names: c.11798C>T, p.Ala3933Val (NM_000445.5); c.11675C>T, p.Ala3892Val (NM_201378.4); c.11651C>T, p.Ala3884Val (NM_201379.3); c.12128C>T, p.Ala4043Val (NM_201380.4); c.11621C>T, p.Ala3874Val (NM_201381.3); c.11717C>T, p.Ala3906Val (NM_201382.4); c.11729C>T, p.Ala3910Val (NM_201383.3); short protein forms A3910V, A3874V, A3884V, A3906V, A3933V, A4043V, A3892V.
Identifiers: ClinVar variation 934456 (VCV000934456.10), dbSNP rs1821159891, ClinGen allele CA372488857.